The following is an entry in ClinVar:

NM_018249.6(CDK5RAP2):c.1340G>A (p.Arg447His)

Gene: CDK5RAP2 (CDK5 regulatory subunit associated protein 2; minus strand). Cytogenetic location: 9q33.2.
Variant type: single nucleotide variant.
Coding change: c.1340G>A on transcript NM_018249.6 (MANE Select); coding-DNA position 1340, G replaced by A.
Protein change: p.Arg447His; replaces arginine 447 with histidine.
Molecular consequence: missense variant. On other transcripts: non-coding transcript variant (5).
Genome position (GRCh38, 1-based): chr9:120,491,449, C>T on the plus strand (G>A on the coding strand, the complement: CDK5RAP2 is on the minus strand). VCF-style: chr9-120491449-C-T. GRCh37 (hg19) VCF-style: chr9-123253727-C-T.
Other names: c.1340G>A, p.Arg447His (NM_001011649.3, NM_001272039.2); c.1340G>A (NM_018249.4); short protein forms R447H.
Identifiers: ClinVar variation 434648 (VCV000434648.11), dbSNP rs777203757, ClinGen allele CA5214412.

ClinVar aggregate classification (germline): Uncertain significance. Review status: criteria provided, multiple submitters, no conflicts (2 of 4 stars). 3 submissions from 3 submitters: Uncertain significance (3). Last evaluated 2025-07-08.

Conditions:
Inborn genetic diseases. Identifiers: MedGen C0950123, MeSH D030342.

Allele frequency attached by ClinVar (database versions not stated): ExAC 0.00002; gnomAD 0.00002; gnomAD exomes 0.00002; TOPMed 0.00003.
gnomAD v4.1: 23 of 1,611,100 alleles (0.0014%); highest among the groups gnomAD compares: East Asian, 0.0022%; no homozygotes.

Submissions (3):

Ambry Genetics
Classification: Uncertain significance for Inborn genetic diseases. Last evaluated: 2025-07-08. Review status: criteria provided, single submitter. Criteria: Ambry Variant Classification Scheme 2023. Collection method: clinical testing. Allele origin: germline.

Labcorp Genetics (formerly Invitae), Labcorp
Classification: Uncertain significance. Last evaluated: 2022-04-18. Review status: criteria provided, single submitter. Criteria: Invitae Variant Classification Sherloc (09022015). Collection method: clinical testing. Allele origin: germline.
Comment: This variant has not been reported in the literature in individuals affected with CDK5RAP2-related conditions. This sequence change replaces arginine, which is basic and polar, with histidine, which is basic and polar, at codon 447 of the CDK5RAP2 protein (p.Arg447His). This variant is present in population databases (rs777203757, gnomAD 0.005%). ClinVar contains an entry for this variant (Variation ID: 434648). Algorithms developed to predict the effect of missense changes on protein structure and function output the following: SIFT: "Tolerated"; PolyPhen-2: "Possibly Damaging"; Align-GVGD: "Class C0". The histidine amino acid residue is found in multiple mammalian species, which suggests that this missense change does not adversely affect protein function. In summary, the available evidence is currently insufficient to determine the role of this variant in disease. Therefore, it has been classified as a Variant of Uncertain Significance.

Genetic Services Laboratory, University of Chicago
Classification: Uncertain significance. Last evaluated: 2016-10-27. Review status: criteria provided, single submitter. Criteria: ACMG Guidelines, 2015. Collection method: clinical testing. Allele origin: germline. Affected: no.